The following is an entry in ClinVar:

ClinVar aggregate classification (germline): Uncertain significance (1 of 4 stars; one submission).

Conditions:
Joubert syndrome. Also called: JOUBERT-BOLTSHAUSER SYNDROME; Familial aplasia of the vermis. Identifiers: Orphanet 475, MedGen C5979921, MONDO:0018772.
Meckel-Gruber syndrome. Also called: DYSENCEPHALIA SPLANCHNOCYSTICA; GRUBER SYNDROME; Dysencephalia splachnocystica. Identifiers: Orphanet 564, MedGen C0265215, MONDO:0018921.

gnomAD v4.1: 3 of 1,604,102 alleles (0.00019%); highest among the groups gnomAD compares: East Asian, 0.0022%; no homozygotes.

Submission:

Labcorp Genetics (formerly Invitae), Labcorp
Classification: Uncertain significance for Joubert syndrome; Meckel-Gruber syndrome. Last evaluated: 2025-08-11. Review status: criteria provided, single submitter. Criteria: Invitae Variant Classification Sherloc (09022015). Collection method: clinical testing. Allele origin: germline.
Comment: This sequence change falls in intron 8 of the CC2D2A gene. It does not directly change the encoded amino acid sequence of the CC2D2A protein. It affects a nucleotide within the consensus splice site. This variant is not present in population databases (gnomAD no frequency). This variant has not been reported in the literature in individuals affected with CC2D2A-related conditions. ClinVar contains an entry for this variant (Variation ID: 2028785). Variants that disrupt the consensus splice site are a relatively common cause of aberrant splicing (PMID: 17576681, 9536098). Algorithms developed to predict the effect of sequence changes on RNA splicing suggest that this variant is not likely to affect RNA splicing. In summary, the available evidence is currently insufficient to determine the role of this variant in disease. Therefore, it has been classified as a Variant of Uncertain Significance.

Literature cited by the submitters: PubMed 17576681; PubMed 9536098.

NM_001378615.1(CC2D2A):c.540+5G>C

Genes: CC2D2A (coiled-coil and C2 domain containing 2A; plus strand), FBXL5 (F-box and leucine rich repeat protein 5; minus strand). Cytogenetic location: 4p15.32.
Variant type: single nucleotide variant.
Coding change: c.540+5G>C on transcript NM_001378615.1 (MANE Select); 5 bases into the intron after coding-DNA position 540, G replaced by C.
Molecular consequence: intron variant.
Genome position (GRCh38, 1-based): chr4:15,510,245, G>C. VCF-style: chr4-15510245-G-C. GRCh37 (hg19) VCF-style: chr4-15511868-G-C.
Other names: c.540+5G>C (NM_001080522.2); c.393+5G>C (NM_001378617.1).
Identifiers: ClinVar variation 2028785 (VCV002028785.3), dbSNP rs2474909430, ClinGen allele CA2580070855.